The following is an entry in ClinVar:

NM_003072.5(SMARCA4):c.3215+113T>C

Gene: SMARCA4 (SWI/SNF related BAF chromatin remodeling complex subunit ATPase 4; plus strand). Cytogenetic location: 19p13.2.
Variant type: single nucleotide variant.
Coding change: c.3215+113T>C on transcript NM_003072.5 (MANE Select); 113 bases into the intron after coding-DNA position 3215, T replaced by C.
Molecular consequence: intron variant.
Genome position (GRCh38, 1-based): chr19:11,026,459, T>C. VCF-style: chr19-11026459-T-C. GRCh37 (hg19) VCF-style: chr19-11137135-T-C.
Other names: c.3215+113T>C (NM_001128844.3, NM_001128849.3, NM_001128847.4 and 5 more transcripts).
Identifiers: ClinVar variation 676522 (VCV000676522.2), dbSNP rs59045197, ClinGen allele CA305278059.

ClinVar aggregate classification (germline): Benign. Review status: criteria provided, multiple submitters, no conflicts (2 of 4 stars). 2 submissions from 2 submitters: Benign (2). Last evaluated 2018-06-18.

Allele frequency attached by ClinVar (database versions not stated): TOPMed 0.04231; gnomAD 0.04626 and 0.04934; 1000 Genomes Project 30x 0.04919; 1000 Genomes Project 0.05092.
gnomAD v4.1: 48,571 of 793,108 alleles (6.1%); highest among the groups gnomAD compares: South Asian, 12%; 2,066 homozygotes.

Submissions (2):

GeneDx
Classification: Benign. Last evaluated: 2018-06-18. Review status: criteria provided, single submitter. Criteria: GeneDx Variant Classification (06012015). Collection method: clinical testing. Allele origin: germline. Affected: yes.
Comment: This variant is considered likely benign or benign based on one or more of the following criteria: it is a conservative change, it occurs at a poorly conserved position in the protein, it is predicted to be benign by multiple in silico algorithms, and/or has population frequency not consistent with disease.

Breakthrough Genomics
Classification: Benign. Review status: criteria provided, single submitter. Criteria: ACMG Guidelines, 2015. Collection method: not provided. Allele origin: germline. Inheritance: Autosomal dominant inheritance. Affected: yes.